The following is an entry in ClinVar:

NM_001369.3(DNAH5):c.7580_7581insAAGCA (p.Ala2528fs)

Gene: DNAH5 (dynein axonemal heavy chain 5; minus strand). Cytogenetic location: 5p15.2.
Variant type: Insertion.
Coding change: c.7580_7581insAAGCA on transcript NM_001369.3 (MANE Select); coding-DNA positions 7580 to 7581, AAGCA inserted.
Protein change: p.Ala2528fs; shifts the reading frame from alanine 2528.
Molecular consequence: frameshift variant.
Genome position: GRCh38 VCF-style: chr5-13810087-G-GTGCTT. GRCh37 (hg19) VCF-style: chr5-13810196-G-GTGCTT.
Other names: short protein forms A2528fs.
Identifiers: ClinVar variation 5011177 (VCV005011177.1).

ClinVar aggregate classification (germline): Pathogenic (1 of 4 stars; one submission).

Conditions:
Primary ciliary dyskinesia 3. Identifiers: Orphanet 244, MedGen C1837618, MONDO:0012085, OMIM 608644.

Submission:

Myriad Genetics, Inc.
Classification: Pathogenic for Primary ciliary dyskinesia 3. Last evaluated: 2024-05-14. Review status: criteria provided, single submitter. Criteria: Myriad Autosomal Dominant, Autosomal Recessive and X-Linked Classification Criteria (2023). Collection method: clinical testing. Allele origin: unknown.
Comment: NM_001369.2(DNAH5):c.7580_7581ins5(A2528Sfs*45) is expected to be pathogenic in the context of primary ciliary dyskinesia, DNAH5-related. This variant is predicted to lead to an abnormal or absent protein product due to the creation of a premature termination codon in DNAH5, a gene where loss-of-function variants are known to be pathogenic. Please note: this variant was assessed in the context of healthy population screening.